The following is an entry in ClinVar:

NM_172107.4(KCNQ2):c.2056A>G (p.Ile686Val)

Gene: KCNQ2 (potassium voltage-gated channel subfamily Q member 2; minus strand). Cytogenetic location: 20q13.33.
Variant type: single nucleotide variant.
Coding change: c.2056A>G on transcript NM_172107.4 (MANE Select); coding-DNA position 2056, A replaced by G.
Protein change: p.Ile686Val; replaces isoleucine 686 with valine.
Molecular consequence: missense variant.
Genome position (GRCh38, 1-based): chr20:63,407,207, T>C on the plus strand (A>G on the coding strand, the complement: KCNQ2 is on the minus strand). VCF-style: chr20-63407207-T-C. GRCh37 (hg19) VCF-style: chr20-62038560-T-C.
Other names: c.2110A>G, p.Ile704Val (NM_001382235.1); c.1972A>G, p.Ile658Val (NM_004518.6); c.2002A>G, p.Ile668Val (NM_172106.3); c.1963A>G, p.Ile655Val (NM_172108.5); short protein forms I686V, I658V, I668V, I655V, I704V.
Identifiers: ClinVar variation 1041204 (VCV001041204.8), dbSNP rs558926802, ClinGen allele CA9958160.

ClinVar aggregate classification (germline): Uncertain significance (1 of 4 stars; one submission).

Conditions:
Early-infantile DEE. Also called: Ohtahara syndrome; Early infantile epileptic encephalopathy with suppression bursts; Early infantile epileptic encephalopathy. Identifiers: Orphanet 1934, MedGen C0393706, MONDO:0800491.

Allele frequency attached by ClinVar (database versions not stated): gnomAD exomes 0.00001 and 0.00002; ExAC 0.00004; gnomAD 0.00004; TOPMed 0.00004; 1000 Genomes Project 30x 0.00016; 1000 Genomes Project 0.00020.
gnomAD v4.1: 15 of 1,605,732 alleles (0.00093%); highest among the groups gnomAD compares: African/African-American, 0.016%; 1 homozygote.

Submission:

Labcorp Genetics (formerly Invitae), Labcorp
Classification: Uncertain significance for Early-infantile DEE. Last evaluated: 2025-05-01. Review status: criteria provided, single submitter. Criteria: Invitae Variant Classification Sherloc (09022015). Collection method: clinical testing. Allele origin: germline.
Comment: This sequence change replaces isoleucine, which is neutral and non-polar, with valine, which is neutral and non-polar, at codon 686 of the KCNQ2 protein (p.Ile686Val). This variant is present in population databases (rs558926802, gnomAD 0.01%). This variant has not been reported in the literature in individuals affected with KCNQ2-related conditions. ClinVar contains an entry for this variant (Variation ID: 1041204). An algorithm developed to predict the effect of missense changes on protein structure and function outputs the following: PolyPhen-2: "Benign". The valine amino acid residue is found in multiple mammalian species, which suggests that this missense change does not adversely affect protein function. In summary, the available evidence is currently insufficient to determine the role of this variant in disease. Therefore, it has been classified as a Variant of Uncertain Significance.